The following is an entry in ClinVar:

ClinVar aggregate classification (germline): Pathogenic. Review status: criteria provided, multiple submitters, no conflicts (2 of 4 stars). 2 submissions from 2 submitters: Pathogenic (2). Last evaluated 2025-04-10.

Conditions:
Familial hypobetalipoproteinemia 1. Also called: Hypobetalipoproteinemia, normotriglyceridemic; Acanthocytosis with hypobetalipoproteinemia; APOB-Related Familial Hypobetalipoproteinemia. Identifiers: MedGen C4551990, MONDO:0014252, OMIM 615558.
Hypercholesterolemia, autosomal dominant, type B (FHCL2). Also called: Familial Hypercholesterolemia Type B; HYPERCHOLESTEROLEMIA, FAMILIAL, DUE TO LIGAND-DEFECTIVE APOLIPOPROTEIN B; Familial hypercholesterolemia 2; APOB-Related Familial Hypercholesterolemia, Autosomal Dominant; APOLIPOPROTEIN B-100, FAMILIAL DEFECTIVE; APOLIPOPROTEIN B-100, FAMILIAL LIGAND-DEFECTIVE. Identifiers: MedGen C1704417, MONDO:0007751, OMIM 144010.

Allele frequency attached by ClinVar (database versions not stated): gnomAD exomes below 0.00001 and 0.00001; gnomAD 0.00002; ESP Exome Variant Server 0.00008; TOPMed 0.00001; ExAC 0.00002.
gnomAD v4.1: 9 of 1,613,972 alleles (0.00056%); highest among the groups gnomAD compares: African/African-American, 0.0027%; no homozygotes.

Submissions (2):

Labcorp Genetics (formerly Invitae), Labcorp
Classification: Pathogenic for Familial hypobetalipoproteinemia 1; Hypercholesterolemia, autosomal dominant, type B. Last evaluated: 2025-04-10. Review status: criteria provided, single submitter. Criteria: Invitae Variant Classification Sherloc (09022015). Collection method: clinical testing. Allele origin: germline.
Comment: This sequence change creates a premature translational stop signal (p.Arg2012*) in the APOB gene. It is expected to result in an absent or disrupted protein product. Loss-of-function variants in APOB are known to be pathogenic (PMID: 20032471). This variant is present in population databases (rs147863759, gnomAD 0.008%). This premature translational stop signal has been observed in individual(s) with autosomal dominant hypobetalipoproteinemia (PMID: 30782561). This variant is also known as ApoB-43.7 or p.Arg1986*. ClinVar contains an entry for this variant (Variation ID: 927955). For these reasons, this variant has been classified as Pathogenic.

New York Genome Center
Classification: Pathogenic for Hypercholesterolemia, autosomal dominant, type B; Familial hypobetalipoproteinemia 1. Last evaluated: 2022-04-08. Review status: criteria provided, single submitter. Criteria: NYGC Assertion Criteria 2020. Collection method: clinical testing. Allele origin: germline. Affected: yes. Observed: 1 variant allele, 1 heterozygote.
Comment: The c.6034C>T (p.Arg2012Ter) variant identified in the APOB gene has been previously reported in the literature in individuals with Hypobetalipoproteinemia (PMID: 8843188, 24507775, 30782561). This variant has three heterozygous in gnomAD v2.1.1 and v3.1.1, and three heterozygous in TOPMed Freeze 8) suggesting it is not a common benign variant in the populations represented in those databases. The c.6034C>T variant is located in exon 26 of this 29-exon gene, predicted to incorporate a premature termination codon at position 2012, and result in either haploinsufficiency via nonsense-mediated decay or loss of more than 50% of the wild-type protein if translated. There are multiple downstream truncating variants reported in ClinVar or literature in affected individuals with Hypobetalipoproteinemia. Based on the available evidence this c.6034C>T (p.Arg2012Ter) variant is classified here as Pathogenic.

Literature cited by the submitters: PubMed 20032471 (cited by Labcorp Genetics (formerly Invitae), Labcorp); PubMed 30782561 (cited by Labcorp Genetics (formerly Invitae), Labcorp and New York Genome Center); PubMed 8843188 (cited by New York Genome Center); PubMed 24507775 (cited by New York Genome Center).

NM_000384.3(APOB):c.6034C>T (p.Arg2012Ter)

Gene: APOB (apolipoprotein B; minus strand). Cytogenetic location: 2p24.1.
Variant type: single nucleotide variant.
Coding change: c.6034C>T on transcript NM_000384.3 (MANE Select); coding-DNA position 6034, C replaced by T.
Protein change: p.Arg2012Ter; replaces arginine 2012 with a stop codon.
Molecular consequence: nonsense.
Genome position (GRCh38, 1-based): chr2:21,010,834, G>A on the plus strand (C>T on the coding strand, the complement: APOB is on the minus strand). VCF-style: chr2-21010834-G-A. GRCh37 (hg19) VCF-style: chr2-21233706-G-A.
Other names: short protein forms R2012*.
Identifiers: ClinVar variation 927955 (VCV000927955.7), dbSNP rs147863759, ClinGen allele CA062783.